The following is an entry in ClinVar:

ClinVar aggregate classification (germline): Uncertain significance (1 of 4 stars; one submission).

gnomAD v4.1: 1 of 1,210,901 alleles (0.000083%); highest among the groups gnomAD compares: Non-Finnish European, 0.00011%; no homozygotes.

Submission:

GeneDx
Classification: Uncertain significance. Last evaluated: 2023-11-09. Review status: criteria provided, single submitter. Criteria: GeneDx Variant Classification Process June 2021. Collection method: clinical testing. Allele origin: germline. Affected: yes.
Comment: Not observed at significant frequency in large population cohorts (gnomAD); In silico analysis supports that this missense variant does not alter protein structure/function; Has not been previously published as pathogenic or benign to our knowledge

NM_001079872.2(CUL4B):c.2567A>T (p.Tyr856Phe)

Gene: CUL4B (cullin 4B; minus strand). Cytogenetic location: Xq24.
Variant type: single nucleotide variant.
Coding change: c.2567A>T on transcript NM_001079872.2 (MANE Select); coding-DNA position 2567, A replaced by T.
Protein change: p.Tyr856Phe; replaces tyrosine 856 with phenylalanine.
Molecular consequence: missense variant.
Genome position (GRCh38, 1-based): chrX:120,530,127, T>A on the plus strand (A>T on the coding strand, the complement: CUL4B is on the minus strand). VCF-style: chrX-120530127-T-A. GRCh37 (hg19) VCF-style: chrX-119663982-T-A.
Other names: c.2582A>T, p.Tyr861Phe (NM_001330624.2); c.2033A>T, p.Tyr678Phe (NM_001369145.1); c.2621A>T, p.Tyr874Phe (NM_003588.4); short protein forms Y678F, Y856F, Y861F, Y874F.
Identifiers: ClinVar variation 3364015 (VCV003364015.1).
Genomic context (GRCh38, chrX:120,530,127, plus strand): 5'-TAACACGCTCAATAGGAAAACACAGAAGTACCTACCTTTACTGGAAATTTCAACTGGTTG[T>A]ACACTTCTGAAACAAGGAGATTGTGGCTAAGTGTCTTTCTCATCTTCATAATTCGAACAA-3'
Protein context (NP_001073341.1, residues 846-866): LSHNLLVSEV[Tyr856Phe]NQLKFPVKPA